The following is an entry in ClinVar:

NM_139318.5(KCNH5):c.1376_1378del (p.Leu459_Tyr460delinsHis)

Gene: KCNH5 (potassium voltage-gated channel subfamily H member 5; minus strand). Cytogenetic location: 14q23.2.
Variant type: Deletion.
Coding change: c.1376_1378del on transcript NM_139318.5 (MANE Select); coding-DNA positions 1376 to 1378, 3 bases deleted (TTT; older notation c.1376_1378delTTT).
Protein change: p.Leu459_Tyr460delinsHis.
Molecular consequence: inframe indel.
Genome position (GRCh38, 1-based): chr14:62,849,844-62,849,846, AAA deleted on the plus strand (TTT on the coding strand, the reverse complement: KCNH5 is on the minus strand). VCF-style (leftmost placement, unchanged base first): chr14-62849843-TAAA-T. GRCh37 (hg19) VCF-style: chr14-63316561-TAAA-T.
Other names: c.1376_1378del, p.Leu459_Tyr460delinsHis (NM_172375.3).
Identifiers: ClinVar variation 1388072 (VCV001388072.7), dbSNP rs2140045667, ClinGen allele CA2573150137.

ClinVar aggregate classification (germline): Uncertain significance (1 of 4 stars; one submission).

Conditions:
Early-infantile DEE. Also called: Early infantile epileptic encephalopathy with suppression bursts; Early infantile epileptic encephalopathy; Ohtahara syndrome. Identifiers: Orphanet 1934, MedGen C0393706, MONDO:0800491.

Submission:

Labcorp Genetics (formerly Invitae), Labcorp
Classification: Uncertain significance for Early-infantile DEE. Last evaluated: 2022-09-13. Review status: criteria provided, single submitter. Criteria: Invitae Variant Classification Sherloc (09022015). Collection method: clinical testing. Allele origin: germline.
Comment: This variant, c.1376_1378del, is a complex sequence change that results in the deletion of 2 and insertion of 1 amino acid(s) in the KCNH5 protein (p.Leu459_Tyr460delinsHis). This variant is not present in population databases (gnomAD no frequency). This variant has not been reported in the literature in individuals affected with KCNH5-related conditions. ClinVar contains an entry for this variant (Variation ID: 1388072). Experimental studies and prediction algorithms are not available or were not evaluated, and the functional significance of this variant is currently unknown. In summary, the available evidence is currently insufficient to determine the role of this variant in disease. Therefore, it has been classified as a Variant of Uncertain Significance.